The following is an entry in ClinVar:

ClinVar aggregate classification (germline): Pathogenic/Likely pathogenic. Review status: criteria provided, multiple submitters, no conflicts (2 of 4 stars). 13 submissions from 13 submitters: Pathogenic (10); Likely pathogenic (1). 2 of the submissions do not count toward it. Last evaluated 2026-01-14.

Conditions:
Sandhoff disease, juvenile form. Also called: Sandhoff disease, juvenile type; Subacute Juvenile Sandhoff Disease. Identifiers: Orphanet 309162, MedGen C0751491, MONDO:0017722.
HEXB-related disorders.
Sandhoff disease. Also called: Beta-hexosaminidase-beta-subunit deficiency; GM2 gangliosidosis, type 2; Total hexosaminidase deficiency; Sandhoff-Jatzkewitz-Pilz disease; GM2-GANGLIOSIDOSIS, TYPE II; HEXOSAMINIDASES A AND B DEFICIENCY. Identifiers: Orphanet 796, MedGen C0036161, MONDO:0010006, OMIM 268800.
Inborn genetic diseases. Identifiers: MedGen C0950123, MeSH D030342.

Allele frequency attached by ClinVar (database versions not stated): gnomAD 0.00001; TOPMed 0.00004.
gnomAD v4.1: 61 of 1,602,706 alleles (0.0038%); highest among the groups gnomAD compares: Non-Finnish European, 0.0046%; no homozygotes.

Submissions (13):

Labcorp Genetics (formerly Invitae), Labcorp
Classification: Pathogenic for Sandhoff disease. Last evaluated: 2026-01-14. Review status: criteria provided, single submitter. Criteria: Invitae Variant Classification Sherloc (09022015). Collection method: clinical testing. Allele origin: germline.
Comment: This sequence change falls in intron 12 of the HEXB gene. It does not directly change the encoded amino acid sequence of the HEXB protein. RNA analysis indicates that this variant induces altered splicing and likely results in the gain of 8 amino acid residue(s), but is expected to preserve the integrity of the reading-frame. This variant is present in population databases (rs201580118, gnomAD 0.01%). This variant has been observed in individual(s) with Sandhoff disease (PMID: 2522450, 17015493, 22789865, 24915922; internal data). ClinVar contains an entry for this variant (Variation ID: 527971). Studies have shown that this variant results in the activation of a cryptic splice site in intron 12 (PMID: 2522450). For these reasons, this variant has been classified as Pathogenic.

CeGaT Center for Human Genetics Tuebingen
Classification: Pathogenic. Last evaluated: 2025-12-01. Review status: criteria provided, single submitter. Criteria: CeGaT Center For Human Genetics Tuebingen Variant Classification Criteria Version 2. Collection method: clinical testing. Allele origin: germline. Affected: yes. Observed: 3 variant alleles.
Comment: HEXB: PM3:Very Strong, PM2, PP3, PS3:Supporting

Natera, Inc.
Classification: Pathogenic for Sandhoff disease. Last evaluated: 2025-09-03. Review status: criteria provided, single submitter. Criteria: Natera Variant Classification Schema (03/2026). Collection method: clinical testing. Allele origin: germline.
Comment: The c.1509-26G>A variant in HEXB is an intronic variant located outside the canonical splice sites. This variant is rare in the general population with a frequency below the threshold expected for the associated phenotype(s). This variant has been observed in one or more individuals affected with the associated recessive disease, as either homozygous or compound heterozygous with a second variant (PMID: 27021291, 22789865, 37344817). Given the available evidence, this variant is classified as Pathogenic.

Clinical Genetics Laboratory, Skane University Hospital Lund
Classification: Pathogenic for Sandhoff disease. Last evaluated: 2025-04-25. Review status: criteria provided, single submitter. Criteria: ACMG Guidelines, 2015. Collection method: clinical testing. Allele origin: germline. Affected: yes.
Comment: ACMG criteria used: PVS1_Strong, PM2, PM3_Strong

GeneDx
Classification: Pathogenic. Last evaluated: 2024-11-18. Review status: criteria provided, single submitter. Criteria: GeneDx Variant Classification Process June 2021. Collection method: clinical testing. Allele origin: germline.
Comment: Published functional studies demonstrate a damaging effect resulting from abnormal splicing and a longer protein (PMID: 2522450); Not observed at significant frequency in large population cohorts (gnomAD); In silico analysis supports a deleterious effect on splicing; This variant is associated with the following publications: (PMID: 23046579, 2522450, 24915922, 22789865, 2147031, 2170400, 1386607, 2147027, 27021291, 36709536, 37344817, 20798201, 17015493)

3billion
Classification: Pathogenic for Sandhoff disease. Last evaluated: 2024-11-03. Review status: criteria provided, single submitter. Criteria: ACMG Guidelines, 2015. Collection method: clinical testing. Allele origin: germline. Affected: yes.
Comment: The variant is observed at an extremely low frequency in the gnomAD v4.1.0 dataset (total allele frequency: 0.004%). Predicted Consequence/Location: Intron variant In silico tools predict the variant to alter splicing and produce an abnormal transcript [SpliceAI: 0.95 (>=0.2, moderate evidence for spliceogenicity)]. The variant has been observed in multiple (>3) similarly affected unrelated individuals (PMID: 17015493, 22789865). The variant has been reported at least twice as pathogenic with clinical assertions and evidence for the classification (ClinVar ID: VCV000527971 /PMID: 2522450). Therefore, this variant is classified as Pathogenic according to the recommendation of ACMG/AMP guideline.

Fulgent Genetics
Classification: Pathogenic for Sandhoff disease. Last evaluated: 2024-03-11. Review status: criteria provided, single submitter. Criteria: ACMG Guidelines, 2015. Collection method: clinical testing. Allele origin: germline.

Blueprint Genetics
Classification: Pathogenic for HEXB-related disorders. Last evaluated: 2023-02-06. Review status: criteria provided, single submitter. Criteria: ACMG Guidelines, 2015. Collection method: clinical testing. Allele origin: germline. Affected: yes. Observed: 3 variant alleles.

MGZ Medical Genetics Center
Classification: Likely pathogenic for Sandhoff disease. Last evaluated: 2022-08-25. Review status: criteria provided, single submitter. Criteria: ACMG Guidelines, 2015. Collection method: clinical testing. Allele origin: germline. Affected: yes. Observed: 1 variant allele.
Comment: ACMG criteria applied: PS3_MOD, PM3, PS4_SUP, PM2_SUP, PP3

Ambry Genetics
Classification: Pathogenic for Inborn genetic diseases. Last evaluated: 2021-08-09. Review status: criteria provided, single submitter. Criteria: Ambry Variant Classification Scheme 2023. Collection method: clinical testing. Allele origin: germline.
Comment: The c.1509-26G>A intronic alteration results from a G to A substitution 26 nucleotides before coding exon 13 of the HEXB gene. Based on data from gnomAD, the A allele has an overall frequency of <0.01% (12/250940) total alleles studied. The highest observed frequency was 0.01% (12/113452) of European (non-Finnish) alleles. This alteration has been reported in association with Sandhoff disease in homozygotes and in heterozygotes with an additional HEXB variant (Maegawa, 2006; Delnooz, 2010; Gort, 2012; Zhang 2016). Experimental evidence suggests this alteration has an impact on splicing resulting in an in-frame insertion of 24 nucleotides and 8 amino acids (Nakano, 1989). In silico splice site analysis predicts that this alteration will result in the creation or strengthening of a novel splice acceptor site. Based on the available evidence, this alteration is classified as pathogenic.

Women's Health and Genetics/Laboratory Corporation of America, LabCorp
Classification: Pathogenic for Sandhoff disease. Last evaluated: 2018-11-12. Review status: criteria provided, single submitter. Criteria: LabCorp Variant Classification Summary - May 2015. Collection method: clinical testing. Allele origin: germline.
Comment: Variant summary: HEXB c.1509-26G>A is located at a position not widely known to affect splicing. Several computational tools predict a significant impact on normal splicing: Three predict the variant creates a 3 acceptor site. At least one publication reports experimental evidence that this variant affects mRNA splicing (Nakano_1989). The variant allele was found at a frequency of 4.9e-05 in 245836 control chromosomes (gnomAD). This frequency is not significantly higher than expected for a pathogenic variant in HEXB causing Sandhoff Disease (4.9e-05 vs 0.0015), allowing no conclusion about variant significance. The variant, c.1509-26G>A, has been reported in the literature in multiple individuals affected with Sandhoff Disease, homozygotes and compound heterozygotes (Delnooz_2009, Gort_2012). These data indicate that the variant is very likely to be associated with disease. At least one publication reports experimental evidence evaluating an impact on protein function. The most pronounced variant effect results in <10% of normal activity (Delnooz_2009). Two clinical diagnostic laboratories have submitted clinical-significance assessments for this variant to ClinVar after 2014 without evidence for independent evaluation and classified the variant as likely pathogenic and uncertain significance. Based on the evidence outlined above, the variant was classified as pathogenic.

Counsyl
Classification: Likely pathogenic for Sandhoff disease. Last evaluated: 2017-01-24. Review status: no assertion criteria provided. Collection method: clinical testing. Allele origin: unknown. Not counted in ClinVar's aggregate classification.

OMIM
Classification: Pathogenic for SANDHOFF DISEASE, JUVENILE TYPE. Last evaluated: 1990-10-15. Review status: no assertion criteria provided. Collection method: literature only. Allele origin: germline. Not counted in ClinVar's aggregate classification.

Literature cited by the submitters: PubMed 2522450 (cited by 5 submitters); PubMed 17015493 (cited by 4 submitters); PubMed 22789865 (cited by 6 submitters); PubMed 24915922 (cited by Labcorp Genetics (formerly Invitae), Labcorp); PubMed 27021291 (cited by 3 submitters); PubMed 37344817 (cited by Natera, Inc.); PubMed 20798201 (cited by 3 submitters); PubMed 2170400 (cited by Counsyl and OMIM); PubMed 2147031 (cited by Counsyl); PubMed 10724 (cited by OMIM).

NM_000521.4(HEXB):c.1509-26G>A

Gene: HEXB (hexosaminidase subunit beta; plus strand). Cytogenetic location: 5q13.3.
Variant type: single nucleotide variant.
Coding change: c.1509-26G>A on transcript NM_000521.4 (MANE Select); 26 bases into the intron before coding-DNA position 1509, G replaced by A.
Molecular consequence: intron variant.
Genome position (GRCh38, 1-based): chr5:74,720,617, G>A. VCF-style: chr5-74720617-G-A. GRCh37 (hg19) VCF-style: chr5-74016442-G-A.
Other names: c.834-26G>A (NM_001292004.2).
Identifiers: ClinVar variation 527971 (VCV000527971.45), dbSNP rs201580118, ClinGen allele CA3306183.